The following is an entry in ClinVar:

ClinVar aggregate classification (germline): Benign. Review status: criteria provided, single submitter (1 of 4 stars). 2 submissions from 2 submitters: Benign (1). 1 of the submissions does not count toward it. Last evaluated 2025-10-11.

Conditions:
Severe myoclonic epilepsy in infancy (DRVT). Also called: Dravet syndrome; Epileptic encephalopathy, early infantile, 6 (Dravet syndrome); SEVERE MYOCLONIC EPILEPSY OF INFANCY; DEVELOPMENTAL AND EPILEPTIC ENCEPHALOPATHY 6A; Severe Myoclonic Epilepsy in Infancy (SMEI). Identifiers: Orphanet 33069, MedGen C0751122, MONDO:0100135, OMIM 607208.
SNX27-related disorder. Also called: SNX27-related condition.

Allele frequency attached by ClinVar (database versions not stated): gnomAD 0.00012 and 0.00010; TOPMed 0.00012; ExAC 0.00030; 1000 Genomes Project 30x 0.00031; gnomAD exomes 0.00032 and 0.00009; 1000 Genomes Project 0.00040.
gnomAD v4.1: 159 of 1,564,020 alleles (0.01%); highest among the groups gnomAD compares: East Asian, 0.27%; no homozygotes.

Submissions (2):

Labcorp Genetics (formerly Invitae), Labcorp
Classification: Benign for Severe myoclonic epilepsy in infancy. Last evaluated: 2025-10-11. Review status: criteria provided, single submitter. Criteria: Invitae Variant Classification Sherloc (09022015). Collection method: clinical testing. Allele origin: germline.

PreventionGenetics, part of Exact Sciences
Classification: Likely benign for SNX27-related condition. Last evaluated: 2019-08-30. Review status: no assertion criteria provided. Collection method: clinical testing. Allele origin: germline. Not counted in ClinVar's aggregate classification.
Comment: This variant is classified as likely benign based on ACMG/AMP sequence variant interpretation guidelines (Richards et al. 2015 PMID: 25741868, with internal and published modifications).

NM_001330723.2(SNX27):c.1329C>T (p.Ile443=)

Gene: SNX27 (sorting nexin 27; plus strand). Cytogenetic location: 1q21.3.
Variant type: single nucleotide variant.
Coding change: c.1329C>T on transcript NM_001330723.2 (MANE Select); coding-DNA position 1329, C replaced by T.
Protein change: p.Ile443=; no amino-acid change (isoleucine 443 retained).
Molecular consequence: synonymous variant.
Genome position (GRCh38, 1-based): chr1:151,692,524, C>T. VCF-style: chr1-151692524-C-T. GRCh37 (hg19) VCF-style: chr1-151665000-C-T.
Other names: c.1329C>T, p.Ile443= (NM_030918.6).
Identifiers: ClinVar variation 462809 (VCV000462809.14), dbSNP rs193058770, ClinGen allele CA1093643.